The following is an entry in ClinVar:

NM_014845.6(FIG4):c.1435A>G (p.Thr479Ala)

Gene: FIG4 (FIG4 phosphoinositide 5-phosphatase; plus strand). Cytogenetic location: 6q21.
Variant type: single nucleotide variant.
Coding change: c.1435A>G on transcript NM_014845.6 (MANE Select); coding-DNA position 1435, A replaced by G.
Protein change: p.Thr479Ala; replaces threonine 479 with alanine.
Molecular consequence: missense variant.
Genome position (GRCh38, 1-based): chr6:109,765,013, A>G. VCF-style: chr6-109765013-A-G. GRCh37 (hg19) VCF-style: chr6-110086216-A-G.
Other names: short protein forms T479A.
Identifiers: ClinVar variation 2149817 (VCV002149817.4), dbSNP rs777583029, ClinGen allele CA3956100.

ClinVar aggregate classification (germline): Uncertain significance (1 of 4 stars; one submission).

Conditions:
Charcot-Marie-Tooth disease type 4. Also called: Charcot-Marie-Tooth, Type 4; Charcot-Marie-Tooth disease, type IV. Identifiers: Orphanet 64749, MedGen C4082197, MONDO:0018995.

Allele frequency attached by ClinVar (database versions not stated): gnomAD exomes 0.00001; ExAC 0.00005.
gnomAD v4.1: 17 of 1,613,566 alleles (0.0011%); highest among the groups gnomAD compares: South Asian, 0.019%; no homozygotes.

Submission:

Labcorp Genetics (formerly Invitae), Labcorp
Classification: Uncertain significance for Charcot-Marie-Tooth disease type 4. Last evaluated: 2022-06-18. Review status: criteria provided, single submitter. Criteria: Invitae Variant Classification Sherloc (09022015). Collection method: clinical testing. Allele origin: germline.
Comment: This variant is present in population databases (rs777583029, gnomAD 0.02%). In summary, the available evidence is currently insufficient to determine the role of this variant in disease. Therefore, it has been classified as a Variant of Uncertain Significance. Algorithms developed to predict the effect of missense changes on protein structure and function are either unavailable or do not agree on the potential impact of this missense change (SIFT: "Tolerated"; PolyPhen-2: "Possibly Damaging"; Align-GVGD: "Class C0"). This variant has not been reported in the literature in individuals affected with FIG4-related conditions. This sequence change replaces threonine, which is neutral and polar, with alanine, which is neutral and non-polar, at codon 479 of the FIG4 protein (p.Thr479Ala).